The following is an entry in ClinVar:

ClinVar aggregate classification (germline): Uncertain significance (1 of 4 stars; one submission).

Submission:

GeneDx
Classification: Uncertain significance. Last evaluated: 2025-11-11. Review status: criteria provided, single submitter. Criteria: GeneDx Variant Classification Process June 2021. Collection method: clinical testing. Allele origin: germline.
Comment: Not observed at significant frequency in large population cohorts (gnomAD); In silico analysis suggests that this missense variant does not alter protein structure/function; Has not been previously published as pathogenic or benign to our knowledge

NM_006565.4(CTCF):c.586G>A (p.Asp196Asn)

Gene: CTCF (CCCTC-binding factor; plus strand). Cytogenetic location: 16q22.1.
Variant type: single nucleotide variant.
Coding change: c.586G>A on transcript NM_006565.4 (MANE Select); coding-DNA position 586, G replaced by A.
Protein change: p.Asp196Asn; replaces aspartic acid 196 with asparagine.
Molecular consequence: missense variant. On other transcripts: intron variant (1).
Genome position (GRCh38, 1-based): chr16:67,611,418, G>A. VCF-style: chr16-67611418-G-A. GRCh37 (hg19) VCF-style: chr16-67645321-G-A.
Other names: c.586G>A, p.Asp196Asn (NM_001363916.2); c.-32-5327G>A (NM_001191022.2); short protein forms D196N.
Identifiers: ClinVar variation 3363648 (VCV003363648.2).